The following is an entry in ClinVar:

ClinVar aggregate classification (germline): Uncertain significance. Review status: criteria provided, multiple submitters, no conflicts (2 of 4 stars). 5 submissions from 5 submitters: Uncertain significance (5). Last evaluated 2026-10-01.

Conditions:
Inborn genetic diseases. Identifiers: MedGen C0950123, MeSH D030342.
NALCN-related disorder. Also called: NALCN-related condition; NALCN-related disorders.

Allele frequency attached by ClinVar (database versions not stated): ESP Exome Variant Server 0.00015; gnomAD exomes 0.00024 and 0.00008; TOPMed 0.00009; gnomAD 0.00011; ExAC 0.00006.
gnomAD v4.1: 354 of 1,613,362 alleles (0.022%); highest among the groups gnomAD compares: Non-Finnish European, 0.029%; no homozygotes.

Submissions (5):

GeneDx
Classification: Uncertain significance. Last evaluated: 2026-10-01. Review status: criteria provided, single submitter. Criteria: GeneDx Variant Classification Process June 2021. Collection method: clinical testing. Allele origin: germline.
Comment: In silico analysis supports that this missense variant has a deleterious effect on protein structure/function; Has not been previously published as pathogenic or benign to our knowledge

Labcorp Genetics (formerly Invitae), Labcorp
Classification: Uncertain significance. Last evaluated: 2025-12-17. Review status: criteria provided, single submitter. Criteria: Invitae Variant Classification Sherloc (09022015). Collection method: clinical testing. Allele origin: germline.
Comment: This sequence change replaces tyrosine, which is neutral and polar, with asparagine, which is neutral and polar, at codon 923 of the NALCN protein (p.Tyr923Asn). This variant is present in population databases (rs148462507, gnomAD 0.01%). This variant has not been reported in the literature in individuals affected with NALCN-related conditions. ClinVar contains an entry for this variant (Variation ID: 1254391). Invitae Evidence Modeling of protein sequence and biophysical properties (such as structural, functional, and spatial information, amino acid conservation, physicochemical variation, residue mobility, and thermodynamic stability) indicates that this missense variant is expected to disrupt NALCN protein function with a positive predictive value of 80%. In summary, the available evidence is currently insufficient to determine the role of this variant in disease. Therefore, it has been classified as a Variant of Uncertain Significance.

PreventionGenetics, part of Exact Sciences
Classification: Uncertain significance for NALCN-related condition. Last evaluated: 2025-05-12. Review status: criteria provided, single submitter. Criteria: ACMG Guidelines, 2015. Collection method: clinical testing. Allele origin: germline.
Comment: The NALCN c.2767T>A variant is predicted to result in the amino acid substitution p.Tyr923Asn. To our knowledge, this variant has not been reported in the literature. This variant is reported in 0.015% of alleles in individuals of European (Non-Finnish) descent in gnomAD. At this time, the clinical significance of this variant is uncertain due to the absence of conclusive functional and genetic evidence.

Mayo Clinic Laboratories, Mayo Clinic
Classification: Uncertain significance. Last evaluated: 2023-06-15. Review status: criteria provided, single submitter. Criteria: ACMG Guidelines, 2015. Collection method: clinical testing. Allele origin: germline. Observed: 1 variant allele.
Comment: PP3

Ambry Genetics
Classification: Uncertain significance for Inborn genetic diseases. Last evaluated: 2021-06-25. Review status: criteria provided, single submitter. Criteria: Ambry Variant Classification Scheme 2023. Collection method: clinical testing. Allele origin: germline.
Comment: Unlikely to be causative of congenital contractures of the limbs and face, hypotonia, and developmental delay (AD) Based on insufficient or conflicting evidence, the clinical significance of this alteration remains unclear.

NM_052867.4(NALCN):c.2767T>A (p.Tyr923Asn)

Gene: NALCN (sodium leak channel, non-selective; minus strand). Cytogenetic location: 13q33.1.
Variant type: single nucleotide variant.
Coding change: c.2767T>A on transcript NM_052867.4 (MANE Select); coding-DNA position 2767, T replaced by A.
Protein change: p.Tyr923Asn; replaces tyrosine 923 with asparagine.
Molecular consequence: missense variant.
Genome position (GRCh38, 1-based): chr13:101,104,417, A>T on the plus strand (T>A on the coding strand, the complement: NALCN is on the minus strand). VCF-style: chr13-101104417-A-T. GRCh37 (hg19) VCF-style: chr13-101756768-A-T.
Other names: p.Tyr923Asn; c.2854T>A, p.Tyr952Asn (NM_001350748.2); c.2767T>A, p.Tyr923Asn (NM_001350749.2); c.2680T>A, p.Tyr894Asn (NM_001350750.2, NM_001350751.2); short protein forms Y894N, Y923N, Y952N.
Identifiers: ClinVar variation 1254391 (VCV001254391.12), dbSNP rs148462507, ClinGen allele CA7035576.